The following is an entry in ClinVar:

NM_001148.6(ANK2):c.2693+5C>G

Gene: ANK2 (ankyrin 2; plus strand). Cytogenetic location: 4q26.
Variant type: single nucleotide variant.
Coding change: c.2693+5C>G on transcript NM_001148.6 (MANE Select); 5 bases into the intron after coding-DNA position 2693, C replaced by G.
Molecular consequence: intron variant.
Genome position (GRCh38, 1-based): chr4:113,311,404, C>G. VCF-style: chr4-113311404-C-G. GRCh37 (hg19) VCF-style: chr4-114232560-C-G.
Other names: c.2681+5C>G (NM_001386186.2, NM_001386148.2); c.2483+5C>G (NM_001354269.3); c.2657+5C>G (NM_001386187.2); c.2651+5C>G (NM_001386147.1, NM_001386160.1, NM_001354261.2); c.2630+5C>G (NM_001354254.2, NM_001354239.2, NM_001354252.2 and 10 more transcripts); c.2531+5C>G (NM_001354253.2, NM_001354270.2, NM_001354257.2 and 1 more transcripts); c.2606+5C>G (NM_001354249.2, NM_001354266.2, NM_001354276.2 and 10 more transcripts); c.2507+5C>G (NM_001386151.1, NM_001354260.2, NM_001354271.2); and 9 more.
Identifiers: ClinVar variation 4737989 (VCV004737989.1).

ClinVar aggregate classification (germline): Uncertain significance (1 of 4 stars; one submission).

Conditions:
Long QT syndrome (LQTS). Identifiers: MedGen C0023976, MeSH D008133, MONDO:0002442. Disease mechanism: loss of function. Inheritance: Various modes of inheritance.

Submission:

Labcorp Genetics (formerly Invitae), Labcorp
Classification: Uncertain significance for Long QT syndrome. Last evaluated: 2025-11-05. Review status: criteria provided, single submitter. Criteria: Invitae Variant Classification Sherloc (09022015). Collection method: clinical testing. Allele origin: germline.
Comment: This sequence change falls in intron 24 of the ANK2 gene. It does not directly change the encoded amino acid sequence of the ANK2 protein. It affects a nucleotide within the consensus splice site. This variant is not present in population databases (gnomAD no frequency). This variant has not been reported in the literature in individuals affected with ANK2-related conditions. Variants that disrupt the consensus splice site are a relatively common cause of aberrant splicing (PMID: 17576681, 9536098). Algorithms developed to predict the effect of sequence changes on RNA splicing suggest that this variant is not likely to affect RNA splicing. In summary, the available evidence is currently insufficient to determine the role of this variant in disease. Therefore, it has been classified as a Variant of Uncertain Significance.

Literature cited by the submitters: PubMed 17576681; PubMed 9536098.